The following is an entry in ClinVar:

ClinVar aggregate classification (germline): Uncertain significance (1 of 4 stars; one submission).

gnomAD v4.1: 12 of 1,612,892 alleles (0.00074%); highest among the groups gnomAD compares: East Asian, 0.0022%; no homozygotes.

Submission:

Women's Health and Genetics/Laboratory Corporation of America, LabCorp
Classification: Uncertain significance. Last evaluated: 2025-04-08. Review status: criteria provided, single submitter. Criteria: LabCorp Variant Classification Summary - May 2015. Collection method: clinical testing. Allele origin: germline.
Comment: Variant summary: EVC c.939+5G>A alters a non-conserved nucleotide located close to a canonical splice site and therefore could affect mRNA splicing, leading to a significantly altered protein sequence. Several computational tools predict a significant impact on normal splicing: Five predict the variant abolishes a 5' splicing donor site. However, these predictions have yet to be confirmed by functional studies. The variant allele was found at a frequency of 4e-06 in 251416 control chromosomes. The available data on variant occurrences in the general population are insufficient to allow any conclusion about variant significance. c.939+5G>A has been reported in the literature in the compound heterozygous state in at least one individual affected with Ellis-van Creveld syndrome (Altungolu_2024). These data do not allow any conclusion about variant significance. To our knowledge, no experimental evidence demonstrating an impact on protein function has been reported. The following publication have been ascertained in the context of this evaluation (PMID: 38531627). No submitters have cited clinical-significance assessments for this variant to ClinVar. Based on the evidence outlined above, the variant was classified as uncertain significance.

Literature cited by the submitters: PubMed 38531627.

NM_153717.3(EVC):c.939+5G>A

Gene: EVC (EvC ciliary complex subunit 1; plus strand). Cytogenetic location: 4p16.2.
Variant type: single nucleotide variant.
Coding change: c.939+5G>A on transcript NM_153717.3 (MANE Select); 5 bases into the intron after coding-DNA position 939, G replaced by A.
Molecular consequence: intron variant.
Genome position (GRCh38, 1-based): chr4:5,745,346, G>A. VCF-style: chr4-5745346-G-A. GRCh37 (hg19) VCF-style: chr4-5747073-G-A.
Other names: c.939+5G>A (NM_001306090.2, NM_001306092.2).
Identifiers: ClinVar variation 3896414 (VCV003896414.2).